The following is an entry in ClinVar:

NM_004655.4(AXIN2):c.1933C>T (p.Pro645Ser)

Gene: AXIN2 (axin 2; minus strand). Cytogenetic location: 17q24.1.
Variant type: single nucleotide variant.
Coding change: c.1933C>T on transcript NM_004655.4 (MANE Select); coding-DNA position 1933, C replaced by T.
Protein change: p.Pro645Ser; replaces proline 645 with serine.
Molecular consequence: missense variant.
Genome position (GRCh38, 1-based): chr17:65,536,528, G>A on the plus strand (C>T on the coding strand, the complement: AXIN2 is on the minus strand). VCF-style: chr17-65536528-G-A. GRCh37 (hg19) VCF-style: chr17-63532646-G-A.
Other names: c.1738C>T, p.Pro580Ser (NM_001363813.1); short protein forms P580S, P645S.
Identifiers: ClinVar variation 854457 (VCV000854457.16), dbSNP rs1405864888, ClinGen allele CA400676304.
Genomic context (GRCh38, chr17:65,536,528, plus strand): 5'-CCCCCCACAGATGGTGCCGGCTGGCTCGTTCGCCTGGAGACGAGCGGGCAGACTCCAAGG[G>A]GTAGGCCTTTTTTGTGCTTTGGGCACTAAACAAGGAATGAGCAGAGAGAAAACAGAAGGA-3'
Protein context (NP_004646.3, residues 635-655): HSAQSTKKAY[Pro645Ser]LESARSSPGE

ClinVar aggregate classification (germline): Conflicting classifications of pathogenicity. Review status: criteria provided, conflicting classifications (1 of 4 stars). 5 submissions from 5 submitters: Uncertain significance (4); Benign (1). Last evaluated 2026-03-23.

Conditions:
AXIN2-related disorder.
Oligodontia-cancer predisposition syndrome. Also called: TOOTH AGENESIS-COLORECTAL CANCER SYNDROME. Identifiers: Orphanet 300576, MedGen C1837750, MONDO:0012075, OMIM 608615. Disease mechanism: loss of function.
Colorectal cancer. Also called: Colorectal cancer, somatic; Malignant Colorectal Neoplasm. Identifiers: MedGen C0346629, MONDO:0005575, OMIM 114500.
Hereditary cancer-predisposing syndrome. Also called: Neoplastic Syndromes, Hereditary; Hereditary Cancer Syndrome; Tumor predisposition; Hereditary neoplastic syndrome. Identifiers: Orphanet 140162, MedGen C0027672, MeSH D009386, MONDO:0015356.
Ovarian cancer. Also called: OVARIAN CANCER, SOMATIC. Identifiers: Orphanet 213500, MedGen C1140680, MONDO:0008170, OMIM 167000.

Allele frequency attached by ClinVar (database versions not stated): gnomAD exomes 0.00001.
gnomAD v4.1: 4 of 1,613,838 alleles (0.00025%); highest among the groups gnomAD compares: Admixed American, 0.0017%; no homozygotes.

Submissions (5):

PreventionGenetics, part of Exact Sciences
Classification: Uncertain significance for AXIN2-related condition. Last evaluated: 2026-03-23. Review status: criteria provided, single submitter. Criteria: ACMG Guidelines, 2015. Collection method: clinical testing. Allele origin: germline.
Comment: The AXIN2 c.1933C>T variant is predicted to result in the amino acid substitution p.Pro645Ser. To our knowledge, this variant has not been reported in the literature. This variant is reported in 0.0029% of alleles in individuals of Latino descent in gnomAD and has classifications ranging from uncertain significance to benign in ClinVar (Variation ID: 854457). At this time, the clinical significance of this variant is uncertain due to the absence of conclusive functional and genetic evidence.

Ambry Genetics
Classification: Uncertain significance for Hereditary cancer-predisposing syndrome. Last evaluated: 2025-07-03. Review status: criteria provided, single submitter. Criteria: Ambry Variant Classification Scheme 2023. Collection method: clinical testing. Allele origin: germline.
Comment: The p.P645S variant (also known as c.1933C>T), located in coding exon 7 of the AXIN2 gene, results from a C to T substitution at nucleotide position 1933. The proline at codon 645 is replaced by serine, an amino acid with similar properties. This amino acid position is conserved. In addition, this alteration is predicted to be tolerated by in silico analysis. Since supporting evidence is limited at this time, the clinical significance of this alteration remains unclear.

Labcorp Genetics (formerly Invitae), Labcorp
Classification: Uncertain significance for Oligodontia-cancer predisposition syndrome. Last evaluated: 2024-10-20. Review status: criteria provided, single submitter. Criteria: Invitae Variant Classification Sherloc (09022015). Collection method: clinical testing. Allele origin: germline.
Comment: This sequence change replaces proline, which is neutral and non-polar, with serine, which is neutral and polar, at codon 645 of the AXIN2 protein (p.Pro645Ser). This variant is present in population databases (no rsID available, gnomAD 0.003%). This variant has not been reported in the literature in individuals affected with AXIN2-related conditions. ClinVar contains an entry for this variant (Variation ID: 854457). Invitae Evidence Modeling of protein sequence and biophysical properties (such as structural, functional, and spatial information, amino acid conservation, physicochemical variation, residue mobility, and thermodynamic stability) indicates that this missense variant is not expected to disrupt AXIN2 protein function with a negative predictive value of 80%. In summary, the available evidence is currently insufficient to determine the role of this variant in disease. Therefore, it has been classified as a Variant of Uncertain Significance.

Baylor Genetics
Classification: Uncertain significance for Colorectal cancer. Last evaluated: 2023-10-13. Review status: criteria provided, single submitter. Criteria: ACMG Guidelines, 2015. Collection method: clinical testing. Allele origin: unknown.

Laboratory of Molecular Epidemiology of Birth Defects, West China Second University Hospital, Sichuan University
Classification: Benign for Ovarian cancer. Last evaluated: 2022-01-01. Review status: criteria provided, single submitter. Criteria: ACMG Guidelines, 2015. Collection method: clinical testing. Allele origin: germline. Affected: yes.